The following is an entry in ClinVar:

ClinVar aggregate classification (germline): Uncertain significance (1 of 4 stars; one submission).

Allele frequency attached by ClinVar (database versions not stated): gnomAD exomes below 0.00001.
gnomAD v4.1: 1 of 1,614,140 alleles (0.000062%); highest among the groups gnomAD compares: South Asian, 0.0011%; no homozygotes.

Submission:

Labcorp Genetics (formerly Invitae), Labcorp
Classification: Uncertain significance. Last evaluated: 2023-11-14. Review status: criteria provided, single submitter. Criteria: Invitae Variant Classification Sherloc (09022015). Collection method: clinical testing. Allele origin: germline.
Comment: This sequence change replaces leucine, which is neutral and non-polar, with phenylalanine, which is neutral and non-polar, at codon 159 of the DDX58 protein (p.Leu159Phe). This variant is not present in population databases (gnomAD no frequency). This variant has not been reported in the literature in individuals affected with DDX58-related conditions. ClinVar contains an entry for this variant (Variation ID: 1930513). An algorithm developed to predict the effect of missense changes on protein structure and function (PolyPhen-2) suggests that this variant is likely to be tolerated. In summary, the available evidence is currently insufficient to determine the role of this variant in disease. Therefore, it has been classified as a Variant of Uncertain Significance.

NM_014314.4(RIGI):c.475C>T (p.Leu159Phe)

Gene: RIGI (RNA sensor RIG-I; minus strand). Cytogenetic location: 9p21.1.
Variant type: single nucleotide variant.
Coding change: c.475C>T on transcript NM_014314.4 (MANE Select); coding-DNA position 475, C replaced by T.
Protein change: p.Leu159Phe; replaces leucine 159 with phenylalanine.
Molecular consequence: missense variant. On other transcripts: intron variant (1).
Genome position (GRCh38, 1-based): chr9:32,492,487, G>A on the plus strand (C>T on the coding strand, the complement: RIGI is on the minus strand). VCF-style: chr9-32492487-G-A. GRCh37 (hg19) VCF-style: chr9-32492485-G-A.
Other names: c.475C>T, p.Leu159Phe (NM_001385907.1, NM_001385909.1); c.34C>T, p.Leu12Phe (NM_001385910.1, NM_001385914.1); c.460C>T, p.Leu154Phe (NM_001385913.1); c.-38-1067C>T (NM_001385912.1); short protein forms L12F, L154F, L159F.
Identifiers: ClinVar variation 1930513 (VCV001930513.5), dbSNP rs1824130238, ClinGen allele CA373163604.